The following is an entry in ClinVar:

ClinVar aggregate classification (germline): Uncertain significance. Review status: criteria provided, multiple submitters, no conflicts (2 of 4 stars). 2 submissions from 2 submitters: Uncertain significance (2). Last evaluated 2024-08-19.

Conditions:
Inborn genetic diseases. Identifiers: MedGen C0950123, MeSH D030342.
Charcot-Marie-Tooth disease axonal type 2Z. Also called: CHARCOT-MARIE-TOOTH DISEASE, AXONAL, AUTOSOMAL DOMINANT, TYPE 2Z; CHARCOT-MARIE-TOOTH NEUROPATHY, TYPE 2Z. Identifiers: Orphanet 466768, MedGen C5569025, MONDO:0014736, OMIM 616688.

Allele frequency attached by ClinVar (database versions not stated): gnomAD 0.00003; TOPMed 0.00003.
gnomAD v4.1: 28 of 1,614,006 alleles (0.0017%); highest among the groups gnomAD compares: African/African-American, 0.0093%; no homozygotes.

Submissions (2):

Labcorp Genetics (formerly Invitae), Labcorp
Classification: Uncertain significance for Charcot-Marie-Tooth disease axonal type 2Z. Last evaluated: 2024-08-19. Review status: criteria provided, single submitter. Criteria: Invitae Variant Classification Sherloc (09022015). Collection method: clinical testing. Allele origin: germline.
Comment: This sequence change replaces valine, which is neutral and non-polar, with isoleucine, which is neutral and non-polar, at codon 709 of the MORC2 protein (p.Val709Ile). This variant is present in population databases (no rsID available, gnomAD 0.008%). This variant has not been reported in the literature in individuals affected with MORC2-related conditions. ClinVar contains an entry for this variant (Variation ID: 1786313). Invitae Evidence Modeling of protein sequence and biophysical properties (such as structural, functional, and spatial information, amino acid conservation, physicochemical variation, residue mobility, and thermodynamic stability) indicates that this missense variant is not expected to disrupt MORC2 protein function with a negative predictive value of 95%. In summary, the available evidence is currently insufficient to determine the role of this variant in disease. Therefore, it has been classified as a Variant of Uncertain Significance.

Ambry Genetics
Classification: Uncertain significance for Inborn genetic diseases. Last evaluated: 2020-10-22. Review status: criteria provided, single submitter. Criteria: Ambry Variant Classification Scheme 2023. Collection method: clinical testing. Allele origin: germline.
Comment: The p.V709I variant (also known as c.2125G>A), located in coding exon 19 of the MORC2 gene, results from a G to A substitution at nucleotide position 2125. The valine at codon 709 is replaced by isoleucine, an amino acid with highly similar properties. This amino acid position is not well conserved in available vertebrate species. In addition, this alteration is predicted to be tolerated by in silico analysis. Since supporting evidence is limited at this time, the clinical significance of this alteration remains unclear.

NM_001303256.3(MORC2):c.2125G>A (p.Val709Ile)

Gene: MORC2 (MORC family CW-type zinc finger 2; minus strand). Cytogenetic location: 22q12.2.
Variant type: single nucleotide variant.
Coding change: c.2125G>A on transcript NM_001303256.3 (MANE Select); coding-DNA position 2125, G replaced by A.
Protein change: p.Val709Ile; replaces valine 709 with isoleucine.
Molecular consequence: missense variant.
Genome position (GRCh38, 1-based): chr22:30,934,849, C>T on the plus strand (G>A on the coding strand, the complement: MORC2 is on the minus strand). VCF-style: chr22-30934849-C-T. GRCh37 (hg19) VCF-style: chr22-31330836-C-T.
Other names: c.1939G>A, p.Val647Ile (NM_014941.3); c.2125G>A, p.Val709Ile (NM_001303257.2); short protein forms V647I, V709I.
Identifiers: ClinVar variation 1786313 (VCV001786313.4), dbSNP rs1015638849, ClinGen allele CA323271242.